The following is an entry in ClinVar:

NM_000288.4(PEX7):c.129G>C (p.Ala43=)

Gene: PEX7 (peroxisomal biogenesis factor 7; plus strand). Cytogenetic location: 6q23.3.
Variant type: single nucleotide variant.
Coding change: c.129G>C on transcript NM_000288.4 (MANE Select); coding-DNA position 129, G replaced by C.
Protein change: p.Ala43=; no amino-acid change (alanine 43 retained).
Molecular consequence: synonymous variant.
Genome position (GRCh38, 1-based): chr6:136,822,794, G>C. VCF-style: chr6-136822794-G-C. GRCh37 (hg19) VCF-style: chr6-137143932-G-C.
Other names: c.129G>C (NM_000288.3).
Identifiers: ClinVar variation 1010243 (VCV001010243.8), dbSNP rs1256466654, ClinGen allele CA452374742.
Genomic context (GRCh38, chr6:136,822,794, plus strand): 5'-GTTCTCCCCGTACCTGCCGGGCCGCCTGGCCTGCGCCACCGCGCAGCACTACGGCATCGC[G>C]GGTGAGGCGGCGCCGCGCAGCTGGGGCCGGGGGGCGGAGGCGGAGGCGGGGGCCAGCCGG-3'
Protein context (NP_000279.1, residues 33-53): ACATAQHYGI[Ala43=]GCGTLLILDP

ClinVar aggregate classification (germline): Uncertain significance. Review status: criteria provided, multiple submitters, no conflicts (2 of 4 stars). 4 submissions from 4 submitters: Uncertain significance (2). 2 of the submissions do not count toward it. Last evaluated 2024-10-28.

Conditions:
Rhizomelic chondrodysplasia punctata (RCDP). Identifiers: Orphanet 177, MedGen C0282529, MONDO:0015776. Disease mechanism: loss of function.
Rhizomelic chondrodysplasia punctata type 1 (RCDP1). Also called: CHONDRODYSTROPHIA CALCIFICANS PUNCTATA; PEROXISOME BIOGENESIS DISORDER 9; PEX7-Related Rhizomelic Chondrodysplasia Punctata. Identifiers: Orphanet 177, Orphanet 309789, MedGen C1859133, MONDO:0008972, OMIM 215100. Disease mechanism: loss of function.
Refsum disease, classic. Also called: PHYH-Related Refsum Disease; HEREDOPATHIA ATACTICA POLYNEURITIFORMIS; HMSN IV; PHYTANIC ACID OXIDASE DEFICIENCY. Identifiers: Orphanet 773, MedGen C5780941, MONDO:1060256, OMIM 266500. Disease mechanism: loss of function.
Peroxisome biogenesis disorder 9B. Also called: PEX7-Related Refsum Disease; PEROXISOME BIOGENESIS DISORDER, PEX7-RELATED, ATYPICAL; Refsum disease, adult, 2. Identifiers: Orphanet 773, MedGen C2749346, MONDO:0013945, OMIM 614879.
PEX7-related disorder. Also called: PEX7-related condition; PEX7-related disorders. Identifiers: MedGen CN239409.

Allele frequency attached by ClinVar (database versions not stated): gnomAD 0.00001; TOPMed 0.00005; gnomAD exomes 0.00001.
gnomAD v4.1: 12 of 1,317,486 alleles (0.00091%); highest among the groups gnomAD compares: African/African-American, 0.0031%; no homozygotes.

Submissions (4):

Labcorp Genetics (formerly Invitae), Labcorp
Classification: Uncertain significance for Peroxisome biogenesis disorder 9B. Last evaluated: 2024-10-28. Review status: criteria provided, single submitter. Criteria: Invitae Variant Classification Sherloc (09022015). Collection method: clinical testing. Allele origin: germline.
Comment: This sequence change affects codon 43 of the PEX7 mRNA. It is a 'silent' change, meaning that it does not change the encoded amino acid sequence of the PEX7 protein. It affects a nucleotide within the consensus splice site. This variant is not present in population databases (gnomAD no frequency). This variant has not been reported in the literature in individuals affected with PEX7-related conditions. ClinVar contains an entry for this variant (Variation ID: 1010243). Algorithms developed to predict the effect of sequence changes on RNA splicing suggest that this variant is not likely to affect RNA splicing. In summary, the available evidence is currently insufficient to determine the role of this variant in disease. Therefore, it has been classified as a Variant of Uncertain Significance.

Fulgent Genetics
Classification: Uncertain significance for Rhizomelic chondrodysplasia punctata type 1; Refsum disease, classic; Peroxisome biogenesis disorder 9B. Last evaluated: 2021-09-03. Review status: criteria provided, single submitter. Criteria: ACMG Guidelines, 2015. Collection method: clinical testing. Allele origin: unknown.

PreventionGenetics, part of Exact Sciences
Classification: Likely benign for PEX7-related condition. Last evaluated: 2024-03-01. Review status: no assertion criteria provided. Collection method: clinical testing. Allele origin: germline. Not counted in ClinVar's aggregate classification.
Comment: This variant is classified as likely benign based on ACMG/AMP sequence variant interpretation guidelines (Richards et al. 2015 PMID: 25741868, with internal and published modifications).

Natera, Inc.
Classification: Uncertain significance for Rhizomelic Chondrodysplasia Punctata. Last evaluated: 2020-05-07. Review status: no assertion criteria provided. Collection method: clinical testing. Allele origin: germline. Not counted in ClinVar's aggregate classification.